The following is an entry in ClinVar:

NM_000057.4(BLM):c.3914G>A (p.Arg1305Lys)

Gene: BLM (BLM RecQ like helicase; plus strand). Cytogenetic location: 15q26.1.
Variant type: single nucleotide variant.
Coding change: c.3914G>A on transcript NM_000057.4 (MANE Select); coding-DNA position 3914, G replaced by A.
Protein change: p.Arg1305Lys; replaces arginine 1305 with lysine.
Molecular consequence: missense variant.
Genome position (GRCh38, 1-based): chr15:90,811,244, G>A. VCF-style: chr15-90811244-G-A. GRCh37 (hg19) VCF-style: chr15-91354474-G-A.
Other names: c.3914G>A, p.Arg1305Lys (NM_001287246.2); c.3521G>A, p.Arg1174Lys (NM_001287247.2); c.2789G>A, p.Arg930Lys (NM_001287248.2); short protein forms R1174K, R1305K, R930K.
Identifiers: ClinVar variation 4729289 (VCV004729289.1).

ClinVar aggregate classification (germline): Uncertain significance (1 of 4 stars; one submission).

Conditions:
Bloom syndrome (BLM). Also called: Bloom-Torre-Machacek syndrome. Identifiers: Orphanet 125, MedGen C0005859, MONDO:0008876, OMIM 210900.

Submission:

Labcorp Genetics (formerly Invitae), Labcorp
Classification: Uncertain significance for Bloom syndrome. Last evaluated: 2025-10-15. Review status: criteria provided, single submitter. Criteria: Invitae Variant Classification Sherloc (09022015). Collection method: clinical testing. Allele origin: germline.
Comment: This sequence change replaces arginine, which is basic and polar, with lysine, which is basic and polar, at codon 1305 of the BLM protein (p.Arg1305Lys). This variant is not present in population databases (gnomAD no frequency). This variant has not been reported in the literature in individuals affected with BLM-related conditions. An algorithm developed to predict the effect of missense changes on protein structure and function (PolyPhen-2) suggests that this variant is likely to be tolerated. In summary, the available evidence is currently insufficient to determine the role of this variant in disease. Therefore, it has been classified as a Variant of Uncertain Significance.